The following is an entry in ClinVar:

ClinVar aggregate classification (germline): Pathogenic (1 of 4 stars; one submission).

Conditions:
Neurofibromatosis, type 1 (NF1). Also called: Peripheral type neurofibromatosis; VON RECKLINGHAUSEN DISEASE; Neurofibromatosis, type I; NEUROFIBROMATOSIS, TYPE I, SOMATIC. Identifiers: Orphanet 636, MedGen C0027831, MONDO:0018975, OMIM 162200. Disease mechanism: loss of function.

Submission:

Labcorp Genetics (formerly Invitae), Labcorp
Classification: Pathogenic for Neurofibromatosis, type 1. Last evaluated: 2024-04-25. Review status: criteria provided, single submitter. Criteria: Invitae Variant Classification Sherloc (09022015). Collection method: clinical testing. Allele origin: germline.
Comment: This sequence change creates a premature translational stop signal (p.Thr676Metfs*27) in the NF1 gene. It is expected to result in an absent or disrupted protein product. Loss-of-function variants in NF1 are known to be pathogenic (PMID: 10712197, 23913538). This variant is not present in population databases (gnomAD no frequency). This variant has not been reported in the literature in individuals affected with NF1-related conditions. For these reasons, this variant has been classified as Pathogenic.

Literature cited by the submitters: PubMed 10712197; PubMed 23913538.

NM_001042492.3(NF1):c.2015_2024dup (p.Thr676fs)

Gene: NF1 (neurofibromin 1; plus strand). Cytogenetic location: 17q11.2.
Variant type: Duplication.
Coding change: c.2015_2024dup on transcript NM_001042492.3 (MANE Select); coding-DNA positions 2015 to 2024, 10 bases duplicated (GATGCAGCGG; older notation c.2015_2024dupGATGCAGCGG).
Protein change: p.Thr676fs; shifts the reading frame from threonine 676.
Molecular consequence: frameshift variant.
Genome position (GRCh38, 1-based): chr17:31,226,448-31,226,457, GATGCAGCGG duplicated; duplicating any 10 consecutive bases within chr17:31,226,447-31,226,457 gives the same sequence; the c. name uses the placement nearest the transcript's 3' end. VCF-style (leftmost placement, unchanged base first): chr17-31226446-A-AGGATGCAGCG. GRCh37 (hg19) VCF-style: chr17-29553464-A-AGGATGCAGCG.
Other names: c.2015_2024dup, p.Thr676Metfs (NM_000267.4); short protein forms T676fs.
Identifiers: ClinVar variation 3650866 (VCV003650866.2).